The following is an entry in ClinVar:

ClinVar aggregate classification (germline): Uncertain significance. Review status: criteria provided, multiple submitters, no conflicts (2 of 4 stars). 2 submissions from 2 submitters: Uncertain significance (2). Last evaluated 2026-01-21.

Conditions:
PHIP-related disorder. Also called: PHIP-related disorders; PHIP-related condition.

gnomAD v4.1: 1 of 1,535,136 alleles (0.000065%); highest among the groups gnomAD compares: African/African-American, 0.0014%; no homozygotes.

Submissions (2):

PreventionGenetics, part of Exact Sciences
Classification: Uncertain significance for PHIP-related condition. Last evaluated: 2026-01-21. Review status: criteria provided, single submitter. Criteria: ACMG Guidelines, 2015. Collection method: clinical testing. Allele origin: germline.
Comment: The PHIP c.3766C>T variant is predicted to result in the amino acid substitution p.Leu1256Phe. To our knowledge, this variant has not been reported in the literature or in a large population database (gnomAD), indicating this variant is rare. At this time, the clinical significance of this variant is uncertain due to the absence of conclusive functional and genetic evidence.

GeneDx
Classification: Uncertain significance. Last evaluated: 2025-01-29. Review status: criteria provided, single submitter. Criteria: GeneDx Variant Classification Process June 2021. Collection method: clinical testing. Allele origin: germline. Affected: yes.
Comment: Not observed at significant frequency in large population cohorts (gnomAD); In silico analysis supports that this missense variant has a deleterious effect on protein structure/function; Has not been previously published as pathogenic or benign to our knowledge

NM_017934.7(PHIP):c.3766C>T (p.Leu1256Phe)

Genes: IRAK1BP1 (interleukin 1 receptor associated kinase 1 binding protein 1; plus strand), PHIP (PHIP subunit of CUL4-Ring ligase complex; minus strand). Cytogenetic location: 6q14.1.
Variant type: single nucleotide variant.
Coding change: c.3766C>T on transcript NM_017934.7 (MANE Select); coding-DNA position 3766, C replaced by T.
Protein change: p.Leu1256Phe; replaces leucine 1256 with phenylalanine.
Molecular consequence: missense variant.
Genome position (GRCh38, 1-based): chr6:78,958,491, G>A on the plus strand (C>T on the coding strand, the complement: PHIP is on the minus strand). VCF-style: chr6-78958491-G-A. GRCh37 (hg19) VCF-style: chr6-79668208-G-A.
Other names: c.3766C>T (NM_017934.6); short protein forms L1256F.
Identifiers: ClinVar variation 4072639 (VCV004072639.2).
Genomic context (GRCh38, chr6:78,958,491, plus strand): 5'-TAATTATTAAAACTATCATAATTACATATGAAAAGATAACTTACTTTATAAAATGTAGAA[G>A]AAGATCAGTCACGAATTTAGCAGATTTCACAATAGGGCTTCCAGGCTCATTAAATGTTCG-3'
Protein context (NP_060404.4, residues 1246-1266): VKSAKFVTDL[Leu1256Phe]LHFIKDQTCY